The following is an entry in ClinVar:

NC_000016.9:g.(?_46694384)_(46782105_?)dup

Genes: MYLK3 (myosin light chain kinase 3; minus strand), ORC6 (origin recognition complex subunit 6; plus strand), VPS35 (VPS35 retromer complex component; minus strand). Cytogenetic location: 16q11.2.
Variant type: Duplication.
Identifiers: ClinVar variation 1412147 (VCV001412147.4).

ClinVar aggregate classification (germline): Uncertain significance. Review status: criteria provided, single submitter (1 of 4 stars). 2 submissions from 1 submitter: Uncertain significance (1). 1 of the submissions does not count toward it. Last evaluated 2022-03-27.

Conditions:
Parkinson disease 17 (PARK17). Also called: VPS35-Related Parkinson Disease. Identifiers: Orphanet 411602, MedGen C3280133, MONDO:0013625, OMIM 614203.

Submissions (2):

Labcorp Genetics (formerly Invitae), Labcorp
Classification: Uncertain significance for Parkinson disease 17. Last evaluated: 2022-03-27. Review status: criteria provided, single submitter. Criteria: Invitae Variant Classification Sherloc (09022015). Collection method: clinical testing. Allele origin: germline.
Comment: A copy number gain of the genomic region encompassing the full coding sequence of the VPS35 gene has been identified. The boundaries of this event are unknown as they extend beyond the assayed region for this gene and therefore may encompass additional genes. As the precise location of this event is unknown, it may be in tandem or it may be located elsewhere in the genome. This variant has not been reported in the literature in individuals affected with VPS35-related conditions. In summary, the available evidence is currently insufficient to determine the role of this variant in disease. Therefore, it has been classified as a Variant of Uncertain Significance.

Labcorp Genetics (formerly Invitae), Labcorp
Classification: Uncertain significance. Last evaluated: 2021-11-26. Review status: flagged submission. Criteria: Invitae Variant Classification Sherloc (09022015). Collection method: clinical testing. Allele origin: germline. Not counted in ClinVar's aggregate classification.
Comment: A copy number gain of the genomic region encompassing the full coding sequence of the MYLK3 gene has been identified. The boundaries of this event are unknown as they extend beyond the assayed region for this gene and therefore may encompass additional genes. As the precise location of this event is unknown, it may be in tandem or it may be located elsewhere in the genome. This variant has not been reported in the literature in individuals affected with MYLK3-related conditions. In summary, the available evidence is currently insufficient to determine the role of this variant in disease. Therefore, it has been classified as a Variant of Uncertain Significance.
ClinVar note: Reason: This record appears to be redundant with a more recent record from the same submitter.
ClinVar note: Notes: SCV002180374 appears to be redundant with SCV002181455.